The following is an entry in ClinVar:

NM_001103.4(ACTN2):c.2368-17T>C

Gene: ACTN2 (actinin alpha 2; plus strand). Cytogenetic location: 1q43.
Variant type: single nucleotide variant.
Coding change: c.2368-17T>C on transcript NM_001103.4 (MANE Select); 17 bases into the intron before coding-DNA position 2368, T replaced by C.
Molecular consequence: intron variant.
Genome position (GRCh38, 1-based): chr1:236,760,998, T>C. VCF-style: chr1-236760998-T-C. GRCh37 (hg19) VCF-style: chr1-236924298-T-C.
Other names: c.1744-17T>C (NM_001278344.2); c.2368-17T>C (NM_001278343.2).
Identifiers: ClinVar variation 136289 (VCV000136289.17), dbSNP rs78961574, ClinGen allele CA333049.

ClinVar aggregate classification (germline): Benign. Review status: criteria provided, multiple submitters, no conflicts (2 of 4 stars). 8 submissions from 8 submitters: Benign (5). 3 of the submissions do not count toward it. Last evaluated 2026-02-03.

Conditions:
Primary familial hypertrophic cardiomyopathy (HCM). Identifiers: Orphanet 99739, MedGen C0949658, MeSH D024741, MONDO:0024573. Inheritance: Various modes of inheritance.
Dilated cardiomyopathy 1AA (CMD1AA). Also called: CARDIOMYOPATHY, DILATED, 1AA, WITH OR WITHOUT LEFT VENTRICULAR NONCOMPACTION; CARDIOMYOPATHY, FAMILIAL HYPERTROPHIC, 23, WITH OR WITHOUT LEFT VENTRICULAR NONCOMPACTION; Cardiomyopathy, dilated, 1AA, with or without LVNC. Identifiers: Orphanet 154, MedGen C2677338, MONDO:0012808, OMIM 612158.

Allele frequency attached by ClinVar (database versions not stated): ESP Exome Variant Server 0.00031; gnomAD 0.00255 and 0.00406; gnomAD exomes 0.00266 and 0.00819; TOPMed 0.00396; ExAC 0.00755; 1000 Genomes Project 30x 0.02530; 1000 Genomes Project 0.02756.
gnomAD v4.1: 4,785 of 1,614,192 alleles (0.3%); highest among the groups gnomAD compares: East Asian, 8%; 190 homozygotes.

Submissions (8):

Labcorp Genetics (formerly Invitae), Labcorp
Classification: Benign for Primary familial hypertrophic cardiomyopathy; Dilated cardiomyopathy 1AA. Last evaluated: 2026-02-03. Review status: criteria provided, single submitter. Criteria: Invitae Variant Classification Sherloc (09022015). Collection method: clinical testing. Allele origin: germline.

Blueprint Genetics
Classification: Benign. Last evaluated: 2024-11-25. Review status: criteria provided, single submitter. Criteria: ACMG Guidelines, 2015. Collection method: clinical testing. Allele origin: germline.

Women's Health and Genetics/Laboratory Corporation of America, LabCorp
Classification: Benign. Last evaluated: 2021-10-17. Review status: criteria provided, single submitter. Criteria: LabCorp Variant Classification Summary - May 2015. Collection method: clinical testing. Allele origin: germline.

GeneDx
Classification: Benign. Last evaluated: 2013-01-07. Review status: criteria provided, single submitter. Criteria: GeneDx Variant Classification (06012015). Collection method: clinical testing. Allele origin: germline. Affected: yes.
Comment: This variant is considered likely benign or benign based on one or more of the following criteria: it is a conservative change, it occurs at a poorly conserved position in the protein, it is predicted to be benign by multiple in silico algorithms, and/or has population frequency not consistent with disease.

Breakthrough Genomics
Classification: Benign. Review status: criteria provided, single submitter. Criteria: ACMG Guidelines, 2015. Collection method: not provided. Allele origin: germline. Inheritance: Autosomal dominant inheritance. Affected: yes.

Clinical Genetics DNA and cytogenetics Diagnostics Lab, Erasmus MC, Erasmus Medical Center
Classification: Benign. Review status: no assertion criteria provided. Collection method: clinical testing. Allele origin: germline. Affected: yes. Study: VKGL Data-share Consensus. Not counted in ClinVar's aggregate classification.

Clinical Genetics, Academic Medical Center
Classification: Benign. Review status: no assertion criteria provided. Collection method: clinical testing. Allele origin: germline. Affected: yes. Study: VKGL Data-share Consensus. Not counted in ClinVar's aggregate classification.

Joint Genome Diagnostic Labs from Nijmegen and Maastricht, Radboudumc and MUMC+
Classification: Benign. Review status: no assertion criteria provided. Collection method: clinical testing. Allele origin: germline. Affected: yes. Study: VKGL Data-share Consensus. Not counted in ClinVar's aggregate classification.